The following is an entry in ClinVar:

ClinVar aggregate classification (germline): Uncertain significance. Review status: criteria provided, multiple submitters, no conflicts (2 of 4 stars). 2 submissions from 2 submitters: Uncertain significance (2). Last evaluated 2025-08-29.

Allele frequency attached by ClinVar (database versions not stated): ExAC 0.00004; gnomAD 0.00006; TOPMed 0.00006; ESP Exome Variant Server 0.00008; gnomAD exomes 0.00010.
gnomAD v4.1: 158 of 1,604,318 alleles (0.0098%); highest among the groups gnomAD compares: Non-Finnish European, 0.012%; no homozygotes.

Submissions (2):

Ambry Genetics
Classification: Uncertain significance. Last evaluated: 2025-08-29. Review status: criteria provided, single submitter. Criteria: Ambry Variant Classification Scheme 2023. Collection method: clinical testing. Allele origin: germline.

Labcorp Genetics (formerly Invitae), Labcorp
Classification: Uncertain significance. Last evaluated: 2022-11-07. Review status: criteria provided, single submitter. Criteria: Invitae Variant Classification Sherloc (09022015). Collection method: clinical testing. Allele origin: germline.
Comment: This sequence change replaces isoleucine, which is neutral and non-polar, with valine, which is neutral and non-polar, at codon 177 of the LIPI protein (p.Ile177Val). This variant is present in population databases (rs372133726, gnomAD 0.009%). This variant has not been reported in the literature in individuals affected with LIPI-related conditions. Algorithms developed to predict the effect of missense changes on protein structure and function (SIFT, PolyPhen-2, Align-GVGD) all suggest that this variant is likely to be tolerated. In summary, the available evidence is currently insufficient to determine the role of this variant in disease. Therefore, it has been classified as a Variant of Uncertain Significance.

NM_001302998.2(LIPI):c.466A>G (p.Ile156Val)

Gene: LIPI (lipase I; minus strand). Cytogenetic location: 21q11.2.
Variant type: single nucleotide variant.
Coding change: c.466A>G on transcript NM_001302998.2 (MANE Select); coding-DNA position 466, A replaced by G.
Protein change: p.Ile156Val; replaces isoleucine 156 with valine.
Molecular consequence: missense variant. On other transcripts: intron variant (1).
Genome position (GRCh38, 1-based): chr21:14,186,036, T>C on the plus strand (A>G on the coding strand, the complement: LIPI is on the minus strand). VCF-style: chr21-14186036-T-C. GRCh37 (hg19) VCF-style: chr21-15558357-T-C.
Other names: c.529A>G (NM_198996.2); c.466A>G, p.Ile156Val (NM_001302999.2, NM_001303000.2, NM_001303001.2 and 1 more transcripts); c.331A>G, p.Ile111Val (NM_198996.4); c.47-4177A>G (NM_001379566.1); short protein forms I111V, I156V.
Identifiers: ClinVar variation 2728878 (VCV002728878.4), dbSNP rs372133726, ClinGen allele CA9979667.